The following is an entry in ClinVar:

ClinVar aggregate classification (germline): Pathogenic/Likely pathogenic. Review status: criteria provided, multiple submitters, no conflicts (2 of 4 stars). 16 submissions from 16 submitters: Pathogenic (10); Likely pathogenic (4). 2 of the submissions do not count toward it. Last evaluated 2026-04-16.

Conditions:
Hematuria, benign familial, 1 (BFH1). Also called: THIN MEMBRANE NEPHROPATHY. Identifiers: MedGen CN376803, MONDO:0007709, OMIM 141200.
Inborn genetic diseases. Identifiers: MedGen C0950123, MeSH D030342.
COL4A4-related disorder.
Alport syndrome. Also called: Hemorrhagic familial nephritis; Hemorrhagic hereditary nephritis; Congenital hereditary hematuria. Identifiers: Orphanet 63, MedGen C1567741, MONDO:0018965.
Benign familial hematuria. Also called: thin basement membrane disease. Identifiers: MedGen C0241908, MONDO:0957317.
Autosomal dominant Alport syndrome (ATS3A). Also called: Alport syndrome dominant type; Renal failure and sensorineural hearing loss; ALPORT SYNDROME 3A, AUTOSOMAL DOMINANT. Identifiers: Orphanet 63, Orphanet 88918, MedGen C5882663, MONDO:0007086, OMIM 104200.
Autosomal recessive Alport syndrome (ATS2). Also called: ALPORT SYNDROME 2, AUTOSOMAL RECESSIVE; COL4A4 Alport Syndrome and Thin Basement Membrane Nephropathy; COL4A3-Related Nephropathy; Alport syndrome type 2. Identifiers: Orphanet 63, Orphanet 88919, MedGen C4746745, MONDO:0008762, OMIM 203780.

Submissions 1 to 7 of 16:

Centre de Génétique Humaine, Institut de Pathologie Et de Génétique
Classification: Likely pathogenic for Hematuria, benign familial, 1; Autosomal dominant Alport syndrome. Last evaluated: 2026-04-16. Review status: criteria provided, single submitter. Criteria: ACMG Guidelines, 2015. Collection method: clinical testing. Allele origin: germline, paternal, maternal. Inheritance: Autosomal dominant inheritance. Affected: yes. Observed: 4 variant alleles, 4 heterozygotes. Clinical features observed: Microscopic hematuria (HP:0002907), Mild albuminuria (HP:0033065), Stage 3 chronic kidney disease (HP:0012625), Hypertensive disorder (HP:0000822). Segregation with disease observed.
Comment: Inframe deletion of 6 residues located in collagenous region (PM1 and PM4). This variant is rare: allelic frequency of 0.0025% in gnomAD v4.1.0 database (PM2). In trans with pathogenic variant in patients with AR Alport Syndrome (PM3). Several descriptions in patients with AR and AD Alport Syndrome (PP5).

Labcorp Genetics (formerly Invitae), Labcorp
Classification: Pathogenic. Last evaluated: 2026-01-21. Review status: criteria provided, single submitter. Criteria: Invitae Variant Classification Sherloc (09022015). Collection method: clinical testing. Allele origin: germline.
Comment: This variant, c.1323_1340del, results in the deletion of 6 amino acid(s) of the COL4A4 protein (p.Pro444_Leu449del), but otherwise preserves the integrity of the reading frame. This variant is present in population databases (rs773081522, gnomAD 0.03%). This variant has been observed in individual(s) with autosomal recessive and autosomal dominant Alport syndrome (PMID: 9792860, 25307543, 27281700, 30745910). In at least one individual the data is consistent with being in trans (on the opposite chromosome) from a pathogenic variant. It has also been observed to segregate with disease in related individuals. This variant is also known as 1527del18bp. ClinVar contains an entry for this variant (Variation ID: 552183). Experimental studies and prediction algorithms are not available or were not evaluated, and the functional significance of this variant is currently unknown. For these reasons, this variant has been classified as Pathogenic.

3billion
Classification: Pathogenic for Autosomal recessive Alport syndrome. Last evaluated: 2026-01-19. Review status: criteria provided, single submitter. Criteria: ACMG Guidelines, 2015. Collection method: clinical testing. Allele origin: germline. Affected: yes.
Comment: The variant is observed at an extremely low frequency in the gnomAD v4.1.0 dataset (total allele frequency: 0.002%). Predicted Consequence/Location: The variant is located in a mutational hot spot and/or well-established functional domain in which established pathogenic variants have been reported (PMID: 30311386). Inframe deletion located in a nonrepeat region: predicted to change the length of the protein and disrupt normal protein function. The variant has been observed in at least two similarly affected unrelated individuals (PMID: 27281700, 30745910). The variant has been reported to be in trans with a pathogenic variant as either compound heterozygous or homozygous in at least one similarly affected unrelated individual (PMID: 30745910). The variant has been reported at least twice as pathogenic with clinical assertions and evidence for the classification (ClinVar ID: VCV000552183 /PMID: 9792860 /3billion dataset). Therefore, this variant is classified as Pathogenic according to the recommendation of ACMG/AMP guideline.

PreventionGenetics, part of Exact Sciences
Classification: Pathogenic for COL4A4-related condition. Last evaluated: 2026-01-16. Review status: criteria provided, single submitter. Criteria: ACMG Guidelines, 2015. Collection method: clinical testing. Allele origin: germline.
Comment: The COL4A4 c.1323_1340del18 variant is predicted to result in an in-frame deletion (p.Pro444_Leu449del). This variant has been reported in the heterozygous state in individuals with Alport syndrome or thin basement membrane nephropathy (Table S1, Nabais et al. 2015. PubMed ID: 25307543; Kamiyoshi et al. 2016. PubMed ID: 27281700; Imafuku et al. 2018. PubMed ID: 28704582). This variant has also been documented in the compound heterozygous state in individuals with autosomal recessive Alport Syndrome or end-stage renal disease (ESRD) (Zhu et al. 2018. PubMed ID: 30745910; Table S2, Park et al. 2020. PubMed ID: 32604935). This variant is reported in 0.028% of alleles in individuals of East Asian descent in gnomAD. This variant is interpreted as pathogenic for both autosomal dominant and autosomal recessive COL4A4-related Alport syndrome spectrum disorders.

Natera, Inc.
Classification: Pathogenic for Alport syndrome. Last evaluated: 2025-09-26. Review status: criteria provided, single submitter. Criteria: Natera Variant Classification Schema (03/2026). Collection method: clinical testing. Allele origin: germline.
Comment: The c.1323_1340delTGGCTTGCCTGGAGCACC variant in COL4A4 is an in-frame deletion. This variant is rare in the general population with a frequency below the threshold expected for the associated phenotype(s). This variant has been observed in one or more individuals affected with the associated recessive disease, as either homozygous or compound heterozygous with a second variant (PMID: 33095447, 30745910). Given the available evidence, this variant is classified as Pathogenic.

Ambry Genetics
Classification: Likely pathogenic for Inborn genetic diseases. Last evaluated: 2025-06-30. Review status: criteria provided, single submitter. Criteria: Ambry Variant Classification Scheme 2023. Collection method: clinical testing. Allele origin: germline.
Comment: The c.1323_1340del18 (p.P444_L449del) alteration is located in exon 20 (coding exon 19) of the COL4A4 gene. This alteration consists of an in-frame deletion of 18 nucleotides between nucleotide positions c.1323 and c.1340, resulting in the deletion of 6 amino acids between codons 444 and 449. Based on data from gnomAD, the c.1323_1340del18 (p.P444_L449del) variant has an overall frequency of 0.004% (10/247640) total alleles studied. The highest observed frequency was 0.028% (5/17922) of East Asian alleles. This variant has been identified in the homozygous state and/or in conjunction with other COL4A4 variants in individuals with features consistent with Alport syndrome; in at least one instance, the variants were identified in trans (Park, 2022; Oh, 2021; Domingo-Gallego, 2021; Zhu, 2018; Boye, 1998). This variant was also reported in the heterozygous state in individual(s) with features consistent with Alport syndrome (Imafuku, 2018; Kamiyoshi, 2016). This amino acid position is not well conserved in available vertebrate species. This alteration is predicted to be deleterious by in silico analysis (Choi, 2012). Based on the available evidence, this alteration is classified as likely pathogenic.

Victorian Clinical Genetics Services, Murdoch Childrens Research Institute
Classification: Pathogenic for Alport syndrome. Last evaluated: 2025-05-01. Review status: criteria provided, single submitter. Criteria: ACMG Guidelines, 2015. Collection method: clinical testing. Allele origin: germline. Affected: yes.
Comment: This variant is classified as Pathogenic. Evidence in support of pathogenic classification: In-frame deletion in a non-repetitive region that has low conservation; Variant is present in gnomAD <0.01 for a condition (v2: 10 heterozygotes, 0 homozygotes); This variant has strong previous evidence of pathogenicity in unrelated individuals. This variant has been classified as pathogenic and likely pathogenic by clinical laboratories in ClinVar and observed in multiple individuals with either autosomal dominant or autosomal recessive Alport syndrome (PMIDs: 27281700, 28704582, 30745910); Variant is located in the well-established functional Gly-X-Y motif in the collagen triple helical domain (DECIPHER). Additional information: This variant is heterozygous; This gene is associated with both recessive and dominant disease. Alport syndrome typically has biallelic inheritance, although rare cases of monoallelic inheritance have been reported (PMID: 28704582). Thin basement membrane nephropathy (TBMN) and focal segmental glomerulosclerosis (FSGS) are associated with autosomal dominant inheritance (OMIM, PMIDs: 16467446, 17942953); Loss of function is a known mechanism of disease for this gene and is associated with Alport syndrome. Dominant negative is a suspected mechanism of disease for this gene as it is a structural protein (PMIDs: 12028435, 24046192); Inheritance information for this variant is not currently available in this individual.

NM_000092.5(COL4A4):c.1323_1340del (p.Pro444_Leu449del)

Gene: COL4A4 (collagen type IV alpha 4 chain; minus strand). Cytogenetic location: 2q36.3.
Variant type: Deletion.
Coding change: c.1323_1340del on transcript NM_000092.5 (MANE Select); coding-DNA positions 1323 to 1340, 18 bases deleted (TGGCTTGCCTGGAGCACC).
Protein change: p.Pro444_Leu449del.
Molecular consequence: inframe deletion.
Genome position (GRCh38, 1-based): chr2:227,094,154-227,094,171, GGTGCTCCAGGCAAGCCA deleted on the plus strand (TGGCTTGCCTGGAGCACC on the coding strand, the reverse complement: COL4A4 is on the minus strand); deleting any 18 consecutive bases within chr2:227,094,154-227,094,175 gives the same sequence; the c. name uses the placement nearest the transcript's 3' end. VCF-style (leftmost placement, unchanged base first): chr2-227094153-TGGTGCTCCAGGCAAGCCA-T. GRCh37 (hg19) VCF-style: chr2-227958869-TGGTGCTCCAGGCAAGCCA-T.
Other names: p.Pro444_Leu449del; p.(Pro444_Leu449del); c.1323_1340del18 (NM_000092.4, NM_000092.5); c.1323_1340del (NM_000092.4); c.1323_1340delTGGCTTGCCTGGAGCACC (NM_000092.4).
Identifiers: ClinVar variation 552183 (VCV000552183.31), dbSNP rs773081522, ClinGen allele CA2145215.